The following is an entry in ClinVar:

ClinVar aggregate classification (germline): Uncertain significance. Review status: criteria provided, multiple submitters, no conflicts (2 of 4 stars). 2 submissions from 2 submitters: Uncertain significance (2). Last evaluated 2025-06-23.

Conditions:
Inborn genetic diseases. Identifiers: MedGen C0950123, MeSH D030342.

Allele frequency attached by ClinVar (database versions not stated): gnomAD exomes below 0.00001; ExAC 0.00001; gnomAD 0.00001; TOPMed 0.00003.
gnomAD v4.1: 5 of 1,614,054 alleles (0.00031%); highest among the groups gnomAD compares: Admixed American, 0.0017%; no homozygotes.

Submissions (2):

Ambry Genetics
Classification: Uncertain significance for Inborn genetic diseases. Last evaluated: 2025-06-23. Review status: criteria provided, single submitter. Criteria: Ambry Variant Classification Scheme 2023. Collection method: clinical testing. Allele origin: germline.

GeneDx
Classification: Uncertain significance. Last evaluated: 2012-09-04. Review status: criteria provided, single submitter. Criteria: GeneDx Variant Classification (06012015). Collection method: clinical testing. Allele origin: germline. Affected: yes.
Comment: p.Asn283Ser (AAC>AGC):c.848 A>G in exon 6 of the NDUFV1 gene (NM_007103.3). A N283S variant of unknown significance has been identified in the NDUFV1 gene. It has not been published as a mutation, nor has it been reported as a benign polymorphism to our knowledge. The N283S variant is a conservative amino acid substitution in that both Asparagine and Serine are uncharged polar amino acid residues. However, this substitution occurs at a highly conserved position in the NDUFV1 protein. Multiple in silico algorithms are not consistent in their prediction of whether N283S is damaging to the structure/function of the NDUFV1 protein. Therefore, based on the currently available information, it is unclear whether N283S is a disease-causing mutation or a rare benign variant. The variant is found in MITONUC-MITOP panel(s).

NM_007103.4(NDUFV1):c.848A>G (p.Asn283Ser)

Gene: NDUFV1 (NADH:ubiquinone oxidoreductase core subunit V1; plus strand). Cytogenetic location: 11q13.2.
Variant type: single nucleotide variant.
Coding change: c.848A>G on transcript NM_007103.4 (MANE Select); coding-DNA position 848, A replaced by G.
Protein change: p.Asn283Ser; replaces asparagine 283 with serine.
Molecular consequence: missense variant.
Genome position (GRCh38, 1-based): chr11:67,611,142, A>G. VCF-style: chr11-67611142-A-G. GRCh37 (hg19) VCF-style: chr11-67378613-A-G.
Other names: p.N283S:AAC>AGC; c.821A>G, p.Asn274Ser (NM_001166102.2); short protein forms N283S, N274S.
Identifiers: ClinVar variation 214858 (VCV000214858.3), dbSNP rs754023854, ClinGen allele CA322040.